The following is an entry in ClinVar:

NM_018699.4(PRDM5):c.1189-1G>C

Gene: PRDM5 (PR/SET domain 5; minus strand). Cytogenetic location: 4q27.
Variant type: single nucleotide variant.
Coding change: c.1189-1G>C on transcript NM_018699.4 (MANE Select); the canonical splice acceptor site of the intron before coding-DNA position 1189, G replaced by C.
Molecular consequence: splice acceptor variant.
Genome position (GRCh38, 1-based): chr4:120,785,092, C>G on the plus strand (G>C on the coding strand, the complement: PRDM5 is on the minus strand). VCF-style: chr4-120785092-C-G. GRCh37 (hg19) VCF-style: chr4-121706247-C-G.
Other names: c.1096-1G>C (NM_001300824.2, NM_001379106.1, NM_001300823.2); c.1222-1G>C (NM_001379104.1).
Identifiers: ClinVar variation 2747156 (VCV002747156.3), dbSNP rs2477240695, ClinGen allele CA358209504.
Genomic context (GRCh38, chr4:120,785,092, plus strand): 5'-TGGGGTCCGGAACAAAGCTTTACATTCTTCACATTGGAACGGTCTCTCCTCAGAGTGGGT[C>G]TGCAGAGGAAAAACACTGAGTCAGGAGGATCTAGAATCAACCAGTCATTACAATGAACGA-3'

ClinVar aggregate classification (germline): Likely pathogenic (1 of 4 stars; one submission).

Submission:

Labcorp Genetics (formerly Invitae), Labcorp
Classification: Likely pathogenic. Last evaluated: 2023-07-26. Review status: criteria provided, single submitter. Criteria: Invitae Variant Classification Sherloc (09022015). Collection method: clinical testing. Allele origin: germline.
Comment: In summary, the currently available evidence indicates that the variant is pathogenic, but additional data are needed to prove that conclusively. Therefore, this variant has been classified as Likely Pathogenic. Algorithms developed to predict the effect of sequence changes on RNA splicing suggest that this variant may disrupt the consensus splice site. This variant has not been reported in the literature in individuals affected with PRDM5-related conditions. This variant is not present in population databases (gnomAD no frequency). This sequence change affects an acceptor splice site in intron 10 of the PRDM5 gene. It is expected to disrupt RNA splicing. Variants that disrupt the donor or acceptor splice site typically lead to a loss of protein function (PMID: 16199547), and loss-of-function variants in PRDM5 are known to be pathogenic (PMID: 21664999, 26395458).

Literature cited by the submitters: PubMed 16199547; PubMed 21664999; PubMed 26395458.